The following is an entry in ClinVar:

NM_002253.4(KDR):c.3888T>A (p.Ser1296=)

Gene: KDR (kinase insert domain receptor; minus strand). Cytogenetic location: 4q12.
Variant type: single nucleotide variant.
Coding change: c.3888T>A on transcript NM_002253.4 (MANE Select); coding-DNA position 3888, T replaced by A.
Protein change: p.Ser1296=; no amino-acid change (serine 1296 retained).
Molecular consequence: synonymous variant.
Genome position (GRCh38, 1-based): chr4:55,080,124, A>T on the plus strand (T>A on the coding strand, the complement: KDR is on the minus strand). VCF-style: chr4-55080124-A-T. GRCh37 (hg19) VCF-style: chr4-55946291-A-T.
Identifiers: ClinVar variation 700891 (VCV000700891.5), dbSNP rs56347250, ClinGen allele CA2923964.

ClinVar aggregate classification (germline): Likely benign. Review status: criteria provided, single submitter (1 of 4 stars). 2 submissions from 2 submitters: Likely benign (1). 1 of the submissions does not count toward it. Last evaluated 2017-11-10.

Conditions:
KDR-related disorder. Also called: KDR-related condition.

Allele frequency attached by ClinVar (database versions not stated): gnomAD 0.00001 and 0.00005; TOPMed 0.00004; ExAC 0.00009; gnomAD exomes 0.00010; 1000 Genomes Project 30x 0.00031; 1000 Genomes Project 0.00040.
gnomAD v4.1: 61 of 1,613,858 alleles (0.0038%); highest among the groups gnomAD compares: East Asian, 0.074%; 1 homozygote.

Submissions (2):

Labcorp Genetics (formerly Invitae), Labcorp
Classification: Likely benign. Last evaluated: 2017-11-10. Review status: criteria provided, single submitter. Criteria: Invitae Variant Classification Sherloc (09022015). Collection method: clinical testing. Allele origin: germline.

PreventionGenetics, part of Exact Sciences
Classification: Likely benign for KDR-related condition. Last evaluated: 2019-08-19. Review status: no assertion criteria provided. Collection method: clinical testing. Allele origin: germline. Not counted in ClinVar's aggregate classification.
Comment: This variant is classified as likely benign based on ACMG/AMP sequence variant interpretation guidelines (Richards et al. 2015 PMID: 25741868, with internal and published modifications).